The following is an entry in ClinVar:

ClinVar aggregate classification (germline): Uncertain significance (1 of 4 stars; one submission).

Conditions:
Dyskeratosis congenita. Identifiers: Orphanet 1775, MedGen C0265965, MONDO:0015780.

Submission:

Ambry Genetics
Classification: Uncertain significance for Dyskeratosis congenita. Last evaluated: 2024-11-28. Review status: criteria provided, single submitter. Criteria: Ambry Variant Classification Scheme 2023. Collection method: clinical testing. Allele origin: germline.
Comment: The p.V640A variant (also known as c.1919T>C), located in coding exon 4 of the TERT gene, results from a T to C substitution at nucleotide position 1919. The valine at codon 640 is replaced by alanine, an amino acid with similar properties. This amino acid position is conserved. In addition, this alteration is predicted to be tolerated by in silico analysis. Based on the available evidence, the clinical significance of this variant remains unclear.

NM_198253.3(TERT):c.1919T>C (p.Val640Ala)

Gene: TERT (telomerase reverse transcriptase; minus strand). Cytogenetic location: 5p15.33.
Variant type: single nucleotide variant.
Coding change: c.1919T>C on transcript NM_198253.3 (MANE Select); coding-DNA position 1919, T replaced by C.
Protein change: p.Val640Ala; replaces valine 640 with alanine.
Molecular consequence: missense variant. On other transcripts: non-coding transcript variant (2).
Genome position (GRCh38, 1-based): chr5:1,280,189, A>G on the plus strand (T>C on the coding strand, the complement: TERT is on the minus strand). VCF-style: chr5-1280189-A-G. GRCh37 (hg19) VCF-style: chr5-1280304-A-G.
Other names: c.1919T>C, p.Val640Ala (NM_001193376.3); short protein forms V640A.
Identifiers: ClinVar variation 3455223 (VCV003455223.1).
Genomic context (GRCh38, chr5:1,280,189, plus strand): 5'-AAAAGGAAGTTAAACCAAAGCACAGCCACCCTCTTTTCTCTGCGGAACGTTCTGGCTCCC[A>G]CGACGTAGTCCATGTTCACAATCGGCCGCAGCCCGTCAGGCTTGGGGATGAAGCGGAGTC-3'
Protein context (NP_937983.2, residues 630-650): LRPIVNMDYV[Val640Ala]GARTFRREKR